The following is an entry in ClinVar:

ClinVar aggregate classification (germline): Likely benign (0 of 4 stars; one submission).

Conditions:
TBX3-related disorder. Also called: TBX3-related condition.

Submission:

PreventionGenetics, part of Exact Sciences
Classification: Likely benign for TBX3-related condition. Last evaluated: 2024-03-19. Review status: no assertion criteria provided. Collection method: clinical testing. Allele origin: germline.
Comment: This variant is classified as likely benign based on ACMG/AMP sequence variant interpretation guidelines (Richards et al. 2015 PMID: 25741868, with internal and published modifications).

NM_005996.4(TBX3):c.-871_-863del

Genes: TBX3 (T-box transcription factor 3; minus strand), TBX3-AS1 (TBX3 antisense RNA 1; plus strand). Cytogenetic location: 12q24.21.
Variant type: Deletion.
Coding change: c.-871_-863del on transcript NM_005996.4 (MANE Select); 871 bases upstream of the start codon through 863 bases upstream of the start codon, 9 bases deleted (CCCTCCCTC; older notation c.-871_-863delCCCTCCCTC).
Molecular consequence: 5 prime UTR variant.
Genome position (GRCh38, 1-based): chr12:114,684,063-114,684,071, GAGGGAGGG deleted on the plus strand (CCCTCCCTC on the coding strand, the reverse complement: TBX3 is on the minus strand); deleting any 9 consecutive bases within chr12:114,684,063-114,684,074 gives the same sequence; the c. name uses the placement nearest the transcript's 3' end. VCF-style (leftmost placement, unchanged base first): chr12-114684062-AGAGGGAGGG-A. GRCh37 (hg19) VCF-style: chr12-115121867-AGAGGGAGGG-A.
Other names: c.-871_-863del (NM_016569.4).
Identifiers: ClinVar variation 3353761 (VCV003353761.1).